The following is an entry in ClinVar:

NM_004974.4(KCNA2):c.155C>T (p.Ala52Val)

Gene: KCNA2 (potassium voltage-gated channel subfamily A member 2; minus strand). Cytogenetic location: 1p13.3.
Variant type: single nucleotide variant.
Coding change: c.155C>T on transcript NM_004974.4 (MANE Select); coding-DNA position 155, C replaced by T.
Protein change: p.Ala52Val; replaces alanine 52 with valine.
Molecular consequence: missense variant.
Genome position (GRCh38, 1-based): chr1:110,604,628, G>A on the plus strand (C>T on the coding strand, the complement: KCNA2 is on the minus strand). VCF-style: chr1-110604628-G-A. GRCh37 (hg19) VCF-style: chr1-111147250-G-A.
Other names: c.155C>T, p.Ala52Val (NM_001204269.2); short protein forms A52V.
Identifiers: ClinVar variation 2795398 (VCV002795398.3), dbSNP rs2524623311, ClinGen allele CA341606606.
Genomic context (GRCh38, chr1:110,604,628, plus strand): 5'-AGGGGGTCAAAGTACCTCATTCGTTTCTTTGGGTCCCCTAAGAGGGTCTCTGGAAACTGG[G>A]CTAAGGTCTTTAGCTGGGTCTCAAACCGCAGCCCTGAGATGTTGATCACCACCCTCTCAC-3'
Protein context (NP_004965.1, residues 42-62): LRFETQLKTL[Ala52Val]QFPETLLGDP

ClinVar aggregate classification (germline): Uncertain significance (1 of 4 stars; one submission).

Conditions:
Developmental and epileptic encephalopathy, 32 (DEE32). Also called: Epileptic encephalopathy, early infantile, 32. Identifiers: Orphanet 442835, MedGen C4225350, MONDO:0014607, OMIM 616366.

Submission:

Labcorp Genetics (formerly Invitae), Labcorp
Classification: Uncertain significance for Developmental and epileptic encephalopathy, 32. Last evaluated: 2025-07-27. Review status: criteria provided, single submitter. Criteria: Invitae Variant Classification Sherloc (09022015). Collection method: clinical testing. Allele origin: germline.
Comment: This sequence change replaces alanine, which is neutral and non-polar, with valine, which is neutral and non-polar, at codon 52 of the KCNA2 protein (p.Ala52Val). This variant is not present in population databases (gnomAD no frequency). This variant has not been reported in the literature in individuals affected with KCNA2-related conditions. ClinVar contains an entry for this variant (Variation ID: 2795398). Invitae Evidence Modeling of protein sequence and biophysical properties (such as structural, functional, and spatial information, amino acid conservation, physicochemical variation, residue mobility, and thermodynamic stability) indicates that this missense variant is not expected to disrupt KCNA2 protein function with a negative predictive value of 95%. In summary, the available evidence is currently insufficient to determine the role of this variant in disease. Therefore, it has been classified as a Variant of Uncertain Significance.